The following is an entry in ClinVar:

ClinVar aggregate classification (germline): Likely benign (1 of 4 stars; one submission).

Allele frequency attached by ClinVar (database versions not stated): TOPMed below 0.00001; gnomAD 0.00001; gnomAD exomes 0.00004; ExAC 0.00012; 1000 Genomes Project 0.00020; 1000 Genomes Project 30x 0.00047.
gnomAD v4.1: 63 of 1,614,130 alleles (0.0039%); highest among the groups gnomAD compares: South Asian, 0.067%; 1 homozygote.

Submission:

CeGaT Center for Human Genetics Tuebingen
Classification: Likely benign. Last evaluated: 2022-10-01. Review status: criteria provided, single submitter. Criteria: CeGaT Center For Human Genetics Tuebingen Variant Classification Criteria Version 2. Collection method: clinical testing. Allele origin: germline. Affected: yes. Observed: 2 variant alleles.
Comment: ARID1A: BP4

NM_006015.6(ARID1A):c.5028C>T (p.Leu1676=)

Gene: ARID1A (AT-rich interaction domain 1A; plus strand). Cytogenetic location: 1p36.11.
Variant type: single nucleotide variant.
Coding change: c.5028C>T on transcript NM_006015.6 (MANE Select); coding-DNA position 5028, C replaced by T.
Protein change: p.Leu1676=; no amino-acid change (leucine 1676 retained).
Molecular consequence: synonymous variant.
Genome position (GRCh38, 1-based): chr1:26,775,611, C>T. VCF-style: chr1-26775611-C-T. GRCh37 (hg19) VCF-style: chr1-27102102-C-T.
Other names: c.4377C>T, p.Leu1459= (NM_139135.4).
Identifiers: ClinVar variation 2638540 (VCV002638540.24), dbSNP rs559876290, ClinGen allele CA707588.